The following is an entry in ClinVar:

ClinVar aggregate classification (germline): Uncertain significance (1 of 4 stars; one submission).

Allele frequency attached by ClinVar (database versions not stated): gnomAD exomes 0.00001.
gnomAD v4.1: 3 of 1,612,012 alleles (0.00019%); highest among the groups gnomAD compares: Admixed American, 0.0017%; no homozygotes.

Submission:

Labcorp Genetics (formerly Invitae), Labcorp
Classification: Uncertain significance. Last evaluated: 2024-06-22. Review status: criteria provided, single submitter. Criteria: Invitae Variant Classification Sherloc (09022015). Collection method: clinical testing. Allele origin: germline.
Comment: This sequence change replaces proline, which is neutral and non-polar, with leucine, which is neutral and non-polar, at codon 98 of the AHDC1 protein (p.Pro98Leu). This variant is present in population databases (no rsID available, gnomAD 0.003%). This variant has not been reported in the literature in individuals affected with AHDC1-related conditions. ClinVar contains an entry for this variant (Variation ID: 1426690). An algorithm developed to predict the effect of missense changes on protein structure and function (PolyPhen-2) suggests that this variant is likely to be disruptive. In summary, the available evidence is currently insufficient to determine the role of this variant in disease. Therefore, it has been classified as a Variant of Uncertain Significance.

NM_001371928.1(AHDC1):c.293C>T (p.Pro98Leu)

Gene: AHDC1 (AT-hook DNA binding motif containing 1; minus strand). Cytogenetic location: 1p36.11.
Variant type: single nucleotide variant.
Coding change: c.293C>T on transcript NM_001371928.1 (MANE Select); coding-DNA position 293, C replaced by T.
Protein change: p.Pro98Leu; replaces proline 98 with leucine.
Molecular consequence: missense variant.
Genome position (GRCh38, 1-based): chr1:27,551,823, G>A on the plus strand (C>T on the coding strand, the complement: AHDC1 is on the minus strand). VCF-style: chr1-27551823-G-A. GRCh37 (hg19) VCF-style: chr1-27878334-G-A.
Other names: c.293C>T, p.Pro98Leu (NM_001029882.3); short protein forms P98L.
Identifiers: ClinVar variation 1426690 (VCV001426690.8), dbSNP rs1188980326, ClinGen allele CA339238089.